The following is an entry in ClinVar:

NM_020442.6(VARS2):c.1163C>T (p.Thr388Met)

Gene: VARS2 (valyl-tRNA synthetase 2, mitochondrial; plus strand). Cytogenetic location: 6p21.33.
Variant type: single nucleotide variant.
Coding change: c.1163C>T on transcript NM_020442.6 (MANE Select); coding-DNA position 1163, C replaced by T.
Protein change: p.Thr388Met; replaces threonine 388 with methionine.
Molecular consequence: missense variant.
Genome position (GRCh38, 1-based): chr6:30,919,846, C>T. VCF-style: chr6-30919846-C-T. GRCh37 (hg19) VCF-style: chr6-30887623-C-T.
Other names: c.743C>T, p.Thr248Met (NM_001167733.3); c.1253C>T, p.Thr418Met (NM_001167734.2); c.1253C>T (NM_001167734.1); short protein forms T418M, T388M, T248M.
Identifiers: ClinVar variation 1367850 (VCV001367850.8), dbSNP rs140305500, ClinGen allele CA3705825.

ClinVar aggregate classification (germline): Uncertain significance. Review status: criteria provided, multiple submitters, no conflicts (2 of 4 stars). 3 submissions from 3 submitters: Uncertain significance (3). Last evaluated 2025-08-21.

Conditions:
Inborn genetic diseases. Identifiers: MedGen C0950123, MeSH D030342.

Allele frequency attached by ClinVar (database versions not stated): gnomAD exomes 0.00003 and 0.00004; ExAC 0.00004; gnomAD 0.00005; TOPMed 0.00005; ESP Exome Variant Server 0.00012.
gnomAD v4.1: 70 of 1,572,530 alleles (0.0045%); highest among the groups gnomAD compares: African/African-American, 0.015%; no homozygotes.

Submissions (3):

Labcorp Genetics (formerly Invitae), Labcorp
Classification: Uncertain significance. Last evaluated: 2025-08-21. Review status: criteria provided, single submitter. Criteria: Invitae Variant Classification Sherloc (09022015). Collection method: clinical testing. Allele origin: germline.
Comment: This sequence change replaces threonine, which is neutral and polar, with methionine, which is neutral and non-polar, at codon 418 of the VARS2 protein (p.Thr418Met). This variant is present in population databases (rs140305500, gnomAD 0.02%). This variant has not been reported in the literature in individuals affected with VARS2-related conditions. ClinVar contains an entry for this variant (Variation ID: 1367850). An algorithm developed to predict the effect of missense changes on protein structure and function (PolyPhen-2) suggests that this variant is likely to be disruptive. In summary, the available evidence is currently insufficient to determine the role of this variant in disease. Therefore, it has been classified as a Variant of Uncertain Significance.

Ambry Genetics
Classification: Uncertain significance for Inborn genetic diseases. Last evaluated: 2021-06-18. Review status: criteria provided, single submitter. Criteria: Ambry Variant Classification Scheme 2023. Collection method: clinical testing. Allele origin: germline.

Breakthrough Genomics
Classification: Uncertain significance. Review status: criteria provided, single submitter. Criteria: ACMG Guidelines, 2015. Collection method: not provided. Allele origin: germline. Inheritance: Autosomal recessive inheritance. Affected: yes.